The following is an entry in ClinVar:

ClinVar aggregate classification (germline): Likely benign (1 of 4 stars; one submission).

Submission:

CeGaT Center for Human Genetics Tuebingen
Classification: Likely benign. Last evaluated: 2025-08-01. Review status: criteria provided, single submitter. Criteria: CeGaT Center For Human Genetics Tuebingen Variant Classification Criteria Version 2. Collection method: clinical testing. Allele origin: germline. Affected: yes. Observed: 1 variant allele.
Comment: OR52N1: BP4, BP7

NM_001001913.2(OR52N1):c.690A>G (p.Leu230=)

Gene: OR52N1 (olfactory receptor family 52 subfamily N member 1; minus strand). Cytogenetic location: 11p15.4.
Variant type: single nucleotide variant.
Coding change: c.690A>G on transcript NM_001001913.2 (MANE Select); coding-DNA position 690, A replaced by G.
Protein change: p.Leu230=; no amino-acid change (leucine 230 retained).
Molecular consequence: synonymous variant.
Genome position (GRCh38, 1-based): chr11:5,788,127, T>C on the plus strand (A>G on the coding strand, the complement: OR52N1 is on the minus strand). VCF-style: chr11-5788127-T-C. GRCh37 (hg19) VCF-style: chr11-5809357-T-C.
Identifiers: ClinVar variation 4083883 (VCV004083883.8).
Genomic context (GRCh38, chr11:5,788,127, plus strand): 5'-TATGGCACAGAAGTGGGCAGTGCAGGTGCTGAAGGCCTTCTGTCGAGCATCTGCTGATGA[T>C]AGACTCACAACTGCTTGAAGAATCATAGTGTAGGAGATTGTAATGCACAGGATATCAAAG-3'
Protein context (NP_001001913.1, residues 220-240): YTMILQAVVS[Leu230=]SSADARQKAF